The following is an entry in ClinVar:

ClinVar aggregate classification (germline): Uncertain significance (1 of 4 stars; one submission).

Conditions:
Bethlem myopathy 1A. Also called: Bethlem myopathy 1; Bethlem Muscular Dystrophy; MYOPATHY, BENIGN CONGENITAL, WITH CONTRACTURES. Identifiers: Orphanet 610, MedGen CN029274, MONDO:0024530, OMIM 158810.

gnomAD v4.1: 6 of 1,612,774 alleles (0.00037%); highest among the groups gnomAD compares: Non-Finnish European, 0.00051%; no homozygotes.

Submission:

Labcorp Genetics (formerly Invitae), Labcorp
Classification: Uncertain significance for Bethlem myopathy 1A. Last evaluated: 2025-04-08. Review status: criteria provided, single submitter. Criteria: Invitae Variant Classification Sherloc (09022015). Collection method: clinical testing. Allele origin: germline.
Comment: This sequence change replaces proline, which is neutral and non-polar, with alanine, which is neutral and non-polar, at codon 575 of the COL6A2 protein (p.Pro575Ala). This variant is not present in population databases (gnomAD no frequency). This variant has not been reported in the literature in individuals affected with COL6A2-related conditions. Invitae Evidence Modeling of protein sequence and biophysical properties (such as structural, functional, and spatial information, amino acid conservation, physicochemical variation, residue mobility, and thermodynamic stability) indicates that this missense variant is not expected to disrupt COL6A2 protein function with a negative predictive value of 80%. In summary, the available evidence is currently insufficient to determine the role of this variant in disease. Therefore, it has been classified as a Variant of Uncertain Significance.

NM_001849.4(COL6A2):c.1723C>G (p.Pro575Ala)

Gene: COL6A2 (collagen type VI alpha 2 chain; plus strand). Cytogenetic location: 21q22.3.
Variant type: single nucleotide variant.
Coding change: c.1723C>G on transcript NM_001849.4 (MANE Select); coding-DNA position 1723, C replaced by G.
Protein change: p.Pro575Ala; replaces proline 575 with alanine.
Molecular consequence: missense variant.
Genome position (GRCh38, 1-based): chr21:46,124,702, C>G. VCF-style: chr21-46124702-C-G. GRCh37 (hg19) VCF-style: chr21-47544616-C-G.
Other names: c.1723C>G, p.Pro575Ala (NM_058174.3, NM_058175.3); short protein forms P575A.
Identifiers: ClinVar variation 4750405 (VCV004750405.1).